The following is an entry in ClinVar:

ClinVar aggregate classification (germline): Uncertain significance (1 of 4 stars; one submission).

Conditions:
Early Myoclonic Encephalopathy. Identifiers: MedGen C0270855.

gnomAD v4.1: 2 of 1,614,074 alleles (0.00012%); highest among the groups gnomAD compares: South Asian, 0.0011%; no homozygotes.

Submission:

Labcorp Genetics (formerly Invitae), Labcorp
Classification: Uncertain significance for Early Myoclonic Encephalopathy. Last evaluated: 2025-03-23. Review status: criteria provided, single submitter. Criteria: Invitae Variant Classification Sherloc (09022015). Collection method: clinical testing. Allele origin: germline.
Comment: This sequence change replaces asparagine, which is neutral and polar, with serine, which is neutral and polar, at codon 1498 of the JMJD1C protein (p.Asn1498Ser). This variant is not present in population databases (gnomAD no frequency). This variant has not been reported in the literature in individuals affected with JMJD1C-related conditions. Invitae Evidence Modeling of protein sequence and biophysical properties (such as structural, functional, and spatial information, amino acid conservation, physicochemical variation, residue mobility, and thermodynamic stability) indicates that this missense variant is not expected to disrupt JMJD1C protein function with a negative predictive value of 80%. In summary, the available evidence is currently insufficient to determine the role of this variant in disease. Therefore, it has been classified as a Variant of Uncertain Significance.

NM_032776.3(JMJD1C):c.4493A>G (p.Asn1498Ser)

Gene: JMJD1C (jumonji domain containing 1C; minus strand). Cytogenetic location: 10q21.3.
Variant type: single nucleotide variant.
Coding change: c.4493A>G on transcript NM_032776.3 (MANE Select); coding-DNA position 4493, A replaced by G.
Protein change: p.Asn1498Ser; replaces asparagine 1498 with serine.
Molecular consequence: missense variant. On other transcripts: non-coding transcript variant (1).
Genome position (GRCh38, 1-based): chr10:63,207,176, T>C on the plus strand (A>G on the coding strand, the complement: JMJD1C is on the minus strand). VCF-style: chr10-63207176-T-C. GRCh37 (hg19) VCF-style: chr10-64966936-T-C.
Other names: c.3947A>G, p.Asn1316Ser (NM_001282948.2, NM_001318154.2); c.3629A>G, p.Asn1210Ser (NM_001318153.2); c.4379A>G, p.Asn1460Ser (NM_001322252.2); c.3836A>G, p.Asn1279Ser (NM_001322254.2, NM_001322258.2); short protein forms N1279S, N1316S, N1498S, N1210S, N1460S.
Identifiers: ClinVar variation 4737376 (VCV004737376.1).